The following is an entry in ClinVar:

ClinVar aggregate classification (germline): Pathogenic. Review status: reviewed by expert panel (3 of 4 stars). 8 submissions from 8 submitters: Pathogenic (1). 7 of the submissions do not count toward it. Last evaluated 2016-10-18.

Conditions:
Hereditary breast ovarian cancer syndrome. Also called: Hereditary breast and ovarian cancer syndrome (HBOC); Breast and ovarian cancer; Hereditary breast and ovarian cancer syndrome; Hereditary breast and ovarian cancer; BRCA1- and BRCA2-Associated Hereditary Breast and Ovarian Cancer; Hereditary breast and/or ovarian cancer syndrome. Identifiers: Orphanet 145, MedGen C0677776, MeSH D061325, MONDO:0003582. Disease mechanism: loss of function.
Breast-ovarian cancer, familial, susceptibility to, 1 (BROVCA1). Also called: BRCA1 Hereditary Breast and Ovarian Cancer; OVARIAN CANCER, SUSCEPTIBILITY TO. Identifiers: Orphanet 145, MedGen C2676676, MONDO:0011450, OMIM 604370. Disease mechanism: loss of function.
Hereditary cancer-predisposing syndrome. Also called: Hereditary Cancer Syndrome; Neoplastic Syndromes, Hereditary; Hereditary neoplastic syndrome; Tumor predisposition. Identifiers: Orphanet 140162, MedGen C0027672, MeSH D009386, MONDO:0015356.

Allele frequency attached by ClinVar (database versions not stated): gnomAD 0.00001.
gnomAD v4.1: 1 of 1,614,050 alleles (0.000062%); highest among the groups gnomAD compares: Non-Finnish European, 0.000085%; no homozygotes.

Submissions (8):

Evidence-based Network for the Interpretation of Germline Mutant Alleles (ENIGMA)
Classification: Pathogenic for Breast-ovarian cancer, familial, susceptibility to, 1. Last evaluated: 2016-10-18. Review status: reviewed by expert panel. Criteria: ENIGMA BRCA1/2 Classification Criteria (2015). Collection method: curation. Allele origin: germline.
Comment: Variant allele predicted to encode a truncated non-functional protein.

Ambry Genetics
Classification: Pathogenic for Hereditary cancer-predisposing syndrome. Last evaluated: 2026-02-12. Review status: criteria provided, single submitter. Criteria: Ambry Variant Classification Scheme 2023. Collection method: clinical testing. Allele origin: germline. Not counted in ClinVar's aggregate classification.
Comment: The p.C1225* pathogenic mutation (also known as c.3675C>A), located in coding exon 9 of the BRCA1 gene, results from a C to A substitution at nucleotide position 3675. This changes the amino acid from a cysteine to a stop codon within coding exon 9. This variant is considered to be rare based on population cohorts in the Genome Aggregation Database (gnomAD). This alteration is expected to result in loss of function by premature protein truncation or nonsense-mediated mRNA decay. As such, this alteration is interpreted as a disease-causing mutation.

Labcorp Genetics (formerly Invitae), Labcorp
Classification: Pathogenic for Hereditary breast ovarian cancer syndrome. Last evaluated: 2025-04-21. Review status: criteria provided, single submitter. Criteria: Invitae Variant Classification Sherloc (09022015). Collection method: clinical testing. Allele origin: germline. Not counted in ClinVar's aggregate classification.
Comment: This sequence change creates a premature translational stop signal (p.Cys1225*) in the BRCA1 gene. It is expected to result in an absent or disrupted protein product. Loss-of-function variants in BRCA1 are known to be pathogenic (PMID: 20104584). This variant is not present in population databases (gnomAD no frequency). This premature translational stop signal has been observed in individual(s) with breast cancer (PMID: 25628955). This variant is also known as c.3794C>A. ClinVar contains an entry for this variant (Variation ID: 245968). For these reasons, this variant has been classified as Pathogenic.

Women's Health and Genetics/Laboratory Corporation of America, LabCorp
Classification: Pathogenic for Hereditary breast ovarian cancer syndrome. Last evaluated: 2025-02-27. Review status: criteria provided, single submitter. Criteria: LabCorp Variant Classification Summary - May 2015. Collection method: clinical testing. Allele origin: germline. Not counted in ClinVar's aggregate classification.
Comment: Variant summary: BRCA1 c.3675C>A (p.Cys1225X) results in a premature termination codon, predicted to cause a truncation of the encoded protein or absence of the protein due to nonsense mediated decay, which are commonly known mechanisms for disease. The variant was absent in 251292 control chromosomes (gnomAD). c.3675C>A has been reported in the literature in at least one individual affected with breast cancer (Godinez_2024). To our knowledge, no experimental evidence demonstrating an impact on protein function has been reported. The following publication have been ascertained in the context of this evaluation (PMID: 38520597). ClinVar contains an entry for this variant (Variation ID: 245968). Based on the evidence outlined above, the variant was classified as pathogenic.

Color Diagnostics, LLC DBA Color Health
Classification: Pathogenic for Hereditary cancer-predisposing syndrome. Last evaluated: 2021-04-27. Review status: criteria provided, single submitter. Criteria: ACMG Guidelines, 2015. Collection method: clinical testing. Allele origin: germline. Not counted in ClinVar's aggregate classification.
Comment: This variant changes 1 nucleotide in exon 10 of the BRCA1 gene, creating a premature translation stop signal. This variant is expected to result in an absent or non-functional protein product. This variant has been reported in at least one individual affected with breast cancer (PMID: 25628955). This variant has not been identified in the general population by the Genome Aggregation Database (gnomAD). Loss of BRCA1 function is a known mechanism of disease. Based on the available evidence, this variant is classified as Pathogenic.

Quest Diagnostics Nichols Institute San Juan Capistrano
Classification: Pathogenic. Last evaluated: 2019-10-08. Review status: criteria provided, single submitter. Criteria: Quest Diagnostics criteria. Collection method: clinical testing. Allele origin: unknown. Not counted in ClinVar's aggregate classification.
Comment: This variant causes the premature termination of BRCA1 protein synthesis. In the published literature, this variant has been reported in a cohort of women affected with breast cancer and BRCA1/BRCA2 mutation carriers in the published literature (PMID: 25628955 (2015), 29446198 (2018)). Based on the available information, this variant is classified as pathogenic.

Consortium of Investigators of Modifiers of BRCA1/2 (CIMBA), c/o University of Cambridge
Classification: Pathogenic for Breast-ovarian cancer, familial, susceptibility to, 1. Last evaluated: 2015-10-02. Review status: criteria provided, single submitter. Criteria: CIMBA Mutation Classification guidelines May 2016. Collection method: clinical testing. Allele origin: germline. Not counted in ClinVar's aggregate classification.

GeneDx
Classification: Pathogenic. Last evaluated: 2015-09-30. Review status: criteria provided, single submitter. Criteria: GeneDx Variant Classification (06012015). Collection method: clinical testing. Allele origin: germline. Affected: yes. Not counted in ClinVar's aggregate classification.
Comment: This pathogenic variant is denoted BRCA1 c.3675C>A at the cDNA level and p.Cys1225Ter (C1225X) at the protein level. The substitution, also reported as 3794C>A (Nahleh 2015), creates a nonsense variant, which changes a Cysteine to a premature stop codon (TGC>TGA), and is predicted to cause loss of normal protein function through either protein truncation or nonsense-mediated mRNA decay. This variant has been reported in association with breast cancer (Nahleh 2015) and is considered pathogenic.

Literature cited by the submitters: PubMed 20104584 (cited by Labcorp Genetics (formerly Invitae), Labcorp); PubMed 25628955 (cited by Labcorp Genetics (formerly Invitae), Labcorp and Quest Diagnostics Nichols Institute San Juan Capistrano); PubMed 38520597 (cited by Women's Health and Genetics/Laboratory Corporation of America, LabCorp); PubMed 26295337 (cited by Quest Diagnostics Nichols Institute San Juan Capistrano); PubMed 29446198 (cited by Quest Diagnostics Nichols Institute San Juan Capistrano).

NM_007294.4(BRCA1):c.3675C>A (p.Cys1225Ter)

Genes: BRCA1 (BRCA1 DNA repair associated; minus strand), LOC126862571 (BRD4-independent group 4 enhancer GRCh37_chr17:41243136-41244335; plus strand). Cytogenetic location: 17q21.31.
Variant type: single nucleotide variant.
Coding change: c.3675C>A on transcript NM_007294.4 (MANE Select); coding-DNA position 3675, C replaced by A.
Protein change: p.Cys1225Ter; replaces cysteine 1225 with a stop codon.
Molecular consequence: nonsense. On other transcripts: intron variant (135).
Genome position (GRCh38, 1-based): chr17:43,091,856, G>T on the plus strand (C>A on the coding strand, the complement: BRCA1 is on the minus strand). VCF-style: chr17-43091856-G-T. GRCh37 (hg19) VCF-style: chr17-41243873-G-T.
Other names: 3794 C>A; c.665-824C>A (NM_001408429.1, NM_001408442.1, NM_001408426.1 and 12 more transcripts); c.788-824C>A (NM_001407979.1, NM_001407977.1, NM_001407982.1 and 17 more transcripts); c.647-824C>A (NM_001408410.1, NM_001408458.1, NM_001408469.1 and 11 more transcripts); c.710-824C>A (NM_001408415.1, NM_001408412.1, NM_001408409.1 and 2 more transcripts); c.578-824C>A (NM_001408483.1, NM_001408481.1, NM_001408480.1 and 9 more transcripts); c.3462C>A, p.Cys1154Ter (NM_001407571.1, NM_001407853.1, NM_001407894.1 and 9 more transcripts); c.3675C>A, p.Cys1225Ter (NM_001407581.1, NM_001407582.1, NM_001407583.1 and 30 more transcripts); and 42 more; short protein forms C1225*, C1178*, C1097*, C1136*, C1154*, C1199*, C1155*, C1158*.
Identifiers: ClinVar variation 245968 (VCV000245968.24), dbSNP rs879254023, ClinGen allele CA10584560.